The following is an entry in ClinVar:

ClinVar aggregate classification (germline): Uncertain significance (1 of 4 stars; one submission).

Conditions:
Ullrich congenital muscular dystrophy 2 (UCMD2). Identifiers: Orphanet 75840, MedGen C4225314, MONDO:0014654, OMIM 616470.
Bethlem myopathy 2 (BTHLM2). Identifiers: Orphanet 536516, Orphanet 610, MedGen C4225313, MONDO:0034022, OMIM 616471.

Allele frequency attached by ClinVar (database versions not stated): gnomAD exomes below 0.00001; TOPMed 0.00001.
gnomAD v4.1: 3 of 1,609,480 alleles (0.00019%); highest among the groups gnomAD compares: East Asian, 0.0022%; no homozygotes.

Submission:

Labcorp Genetics (formerly Invitae), Labcorp
Classification: Uncertain significance for Bethlem myopathy 2; Ullrich congenital muscular dystrophy 2. Last evaluated: 2020-05-03. Review status: criteria provided, single submitter. Criteria: Invitae Variant Classification Sherloc (09022015). Collection method: clinical testing. Allele origin: germline.
Comment: In summary, the available evidence is currently insufficient to determine the role of this variant in disease. Therefore, it has been classified as a Variant of Uncertain Significance. Algorithms developed to predict the effect of missense changes on protein structure and function are either unavailable or do not agree on the potential impact of this missense change (SIFT: "Deleterious"; PolyPhen-2: "Probably Damaging"; Align-GVGD: "Class C0"). This variant has not been reported in the literature in individuals with COL12A1-related conditions. This variant is not present in population databases (ExAC no frequency). This sequence change replaces serine with proline at codon 3019 of the COL12A1 protein (p.Ser3019Pro). The serine residue is highly conserved and there is a moderate physicochemical difference between serine and proline.

NM_004370.6(COL12A1):c.9055T>C (p.Ser3019Pro)

Gene: COL12A1 (collagen type XII alpha 1 chain; minus strand). Cytogenetic location: 6q13.
Variant type: single nucleotide variant.
Coding change: c.9055T>C on transcript NM_004370.6 (MANE Select); coding-DNA position 9055, T replaced by C.
Protein change: p.Ser3019Pro; replaces serine 3019 with proline.
Molecular consequence: missense variant.
Genome position (GRCh38, 1-based): chr6:75,087,703, A>G on the plus strand (T>C on the coding strand, the complement: COL12A1 is on the minus strand). VCF-style: chr6-75087703-A-G. GRCh37 (hg19) VCF-style: chr6-75797419-A-G.
Other names: c.5563T>C, p.Ser1855Pro (NM_080645.3); short protein forms S1855P, S3019P.
Identifiers: ClinVar variation 998576 (VCV000998576.9), dbSNP rs1307746550, ClinGen allele CA364733051.